The following is an entry in ClinVar:

ClinVar aggregate classification (germline): Uncertain significance (1 of 4 stars; one submission).

Conditions:
Familial intrahepatic cholestasis. Identifiers: Orphanet 284385, MedGen CN296401, MONDO:0017290.

Submission:

Genomenon, Inc
Classification: Uncertain significance for Familial intrahepatic cholestasis. Last evaluated: 2026-04-14. Review status: criteria provided, single submitter. Criteria: Genomenon Sequence Variant Interpretation Standards - Updated. Collection method: curation. Allele origin: germline. Affected: yes.
Comment: ABCB4 p.Phe357Leu (c.1069T>C) is a missense variant that changes the amino acid at residue 357 from Phenylalanine to Leucine. This variant has been reported in at least one proband with an ABCB4-related phenotype (PMID:21119540;17726488). At least one functional study has demonstrated a substantial alteration in protein function relative to the wild-type (PMID:26474921). It is absent or not present at a significant frequency in gnomAD. In conclusion, we classify ABCB4 p.Phe357Leu (c.1069T>C) as a variant of uncertain significance.

Literature cited by the submitters: PubMed 21119540; PubMed 17726488; PubMed 26474921.

NM_000443.4(ABCB4):c.1069T>C (p.Phe357Leu)

Gene: ABCB4 (ATP binding cassette subfamily B member 4; minus strand). Cytogenetic location: 7q21.12.
Variant type: single nucleotide variant.
Coding change: c.1069T>C on transcript NM_000443.4 (MANE Select); coding-DNA position 1069, T replaced by C.
Protein change: p.Phe357Leu; replaces phenylalanine 357 with leucine.
Molecular consequence: missense variant.
Genome position (GRCh38, 1-based): chr7:87,444,912, A>G on the plus strand (T>C on the coding strand, the complement: ABCB4 is on the minus strand). VCF-style: chr7-87444912-A-G. GRCh37 (hg19) VCF-style: chr7-87074228-A-G.
Other names: c.1069T>C, p.Phe357Leu (NM_018849.3, NM_018850.3); short protein forms F357L.
Identifiers: ClinVar variation 4846445 (VCV004846445.1).